The following is an entry in ClinVar:

ClinVar aggregate classification (germline): Pathogenic (1 of 4 stars; one submission).

Conditions:
Early-infantile DEE. Also called: Early infantile epileptic encephalopathy; Ohtahara syndrome; Early infantile epileptic encephalopathy with suppression bursts. Identifiers: Orphanet 1934, MedGen C0393706, MONDO:0800491.

Submission:

Labcorp Genetics (formerly Invitae), Labcorp
Classification: Pathogenic for Early-infantile DEE. Last evaluated: 2021-05-26. Review status: criteria provided, single submitter. Criteria: Invitae Variant Classification Sherloc (09022015). Collection method: clinical testing. Allele origin: germline.
Comment: For these reasons, this variant has been classified as Pathogenic. This variant has not been reported in the literature in individuals with SPTAN1-related conditions. This variant is not present in population databases (ExAC no frequency). This sequence change creates a premature translational stop signal (p.Lys1084Argfs*15) in the SPTAN1 gene. It is expected to result in an absent or disrupted protein product. Loss-of-function variants in SPTAN1 are known to be pathogenic (PMID: 31332438, 33206935).

Literature cited by the submitters: PubMed 31332438; PubMed 33206935.

NM_001130438.3(SPTAN1):c.3251_3252del (p.Lys1084fs)

Gene: SPTAN1 (spectrin alpha, non-erythrocytic 1; plus strand). Cytogenetic location: 9q34.11.
Variant type: Deletion.
Coding change: c.3251_3252del on transcript NM_001130438.3 (MANE Select); coding-DNA positions 3251 to 3252, 2 bases deleted (AA; older notation c.3251_3252delAA).
Protein change: p.Lys1084fs; shifts the reading frame from lysine 1084.
Molecular consequence: frameshift variant.
Genome position (GRCh38, 1-based): chr9:128,594,210-128,594,211, AA deleted; deleting any 2 consecutive bases within chr9:128,594,209-128,594,211 gives the same sequence; the c. name uses the placement nearest the transcript's 3' end. VCF-style (leftmost placement, unchanged base first): chr9-128594208-TAA-T. GRCh37 (hg19) VCF-style: chr9-131356487-TAA-T.
Other names: c.3191_3192del, p.Lys1064fs (NM_001195532.2, NM_001363765.2, NM_001375314.2); c.3251_3252del, p.Lys1084fs (NM_001363759.2, NM_001375310.1, NM_001375311.2 and 2 more transcripts); c.3287_3288del, p.Lys1096fs (NM_001375312.2, NM_001375318.1); short protein forms K1096fs, K1064fs, K1084fs.
Identifiers: ClinVar variation 1458679 (VCV001458679.7), dbSNP rs2131360489, ClinGen allele CA2573143895.